The following is an entry in ClinVar:

NM_000484.4(APP):c.1090C>T (p.Leu364Phe)

Gene: APP (amyloid beta precursor protein; minus strand). Cytogenetic location: 21q21.3.
Variant type: single nucleotide variant.
Coding change: c.1090C>T on transcript NM_000484.4 (MANE Select); coding-DNA position 1090, C replaced by T.
Protein change: p.Leu364Phe; replaces leucine 364 with phenylalanine.
Molecular consequence: missense variant. On other transcripts: intron variant (7).
Genome position (GRCh38, 1-based): chr21:25,997,360, G>A on the plus strand (C>T on the coding strand, the complement: APP is on the minus strand). VCF-style: chr21-25997360-G-A. GRCh37 (hg19) VCF-style: chr21-27369675-G-A.
Other names: c.922C>T, p.Leu308Phe (NM_001136130.3, NM_001385253.1); c.1090C>T, p.Leu364Phe (NM_001204301.2); c.761-14883C>T (NM_001136131.3); c.698-14883C>T (NM_001136129.3); c.866-14883C>T (NM_001204303.2, NM_201414.3); c.1033+2655C>T (NM_001204302.2, NM_201413.3); c.1018+2655C>T (NM_001136016.3); short protein forms L364F, L308F.
Identifiers: ClinVar variation 645976 (VCV000645976.7), dbSNP rs749453173, ClinGen allele CA9987431.

ClinVar aggregate classification (germline): Uncertain significance. Review status: criteria provided, multiple submitters, no conflicts (2 of 4 stars). 2 submissions from 2 submitters: Uncertain significance (2). Last evaluated 2024-12-02.

Conditions:
Alzheimer disease. Also called: Alzheimer's disease; Presenile and senile dementia. Identifiers: Orphanet 1020, MedGen C0002395, MeSH D000544, MONDO:0004975, HP:0002511.
Primary degenerative dementia of the Alzheimer type, presenile onset. Also called: Early-onset Alzheimer's disease; Alzheimer disease, early onset. Identifiers: MedGen C5779573.

Allele frequency attached by ClinVar (database versions not stated): ExAC 0.00001; TOPMed 0.00006.
gnomAD v4.1: 38 of 1,613,574 alleles (0.0024%); highest among the groups gnomAD compares: African/African-American, 0.017%; no homozygotes.

Submissions (2):

Labcorp Genetics (formerly Invitae), Labcorp
Classification: Uncertain significance for Alzheimer disease. Last evaluated: 2024-12-02. Review status: criteria provided, single submitter. Criteria: Invitae Variant Classification Sherloc (09022015). Collection method: clinical testing. Allele origin: germline.
Comment: This sequence change replaces leucine, which is neutral and non-polar, with phenylalanine, which is neutral and non-polar, at codon 364 of the APP protein (p.Leu364Phe). This variant is present in population databases (rs749453173, gnomAD 0.01%). This variant has not been reported in the literature in individuals affected with APP-related conditions. ClinVar contains an entry for this variant (Variation ID: 645976). An algorithm developed to predict the effect of missense changes on protein structure and function (PolyPhen-2) suggests that this variant¬†is likely to be tolerated. In summary, the available evidence is currently insufficient to determine the role of this variant in disease. Therefore, it has been classified as a Variant of Uncertain Significance.

HudsonAlpha Institute for Biotechnology
Classification: Uncertain significance for Early-onset Alzheimer's disease. Last evaluated: 2019-10-28. Review status: criteria provided, single submitter. Criteria: ACMG Guidelines, 2015. Collection method: research. Allele origin: unknown. Affected: yes.